The following is an entry in ClinVar:

ClinVar aggregate classification (germline): Uncertain significance (1 of 4 stars; one submission).

gnomAD v4.1: 1 of 1,614,046 alleles (0.000062%); highest among the groups gnomAD compares: Non-Finnish European, 0.000085%; no homozygotes.

Submission:

GeneDx
Classification: Uncertain significance. Last evaluated: 2025-01-14. Review status: criteria provided, single submitter. Criteria: GeneDx Variant Classification Process June 2021. Collection method: clinical testing. Allele origin: germline. Affected: yes.
Comment: Not observed at significant frequency in large population cohorts (gnomAD); In silico analysis supports that this missense variant has a deleterious effect on protein structure/function; Has not been previously published as pathogenic or benign to our knowledge

NM_004859.4(CLTC):c.2605G>A (p.Gly869Ser)

Gene: CLTC (clathrin heavy chain; plus strand). Cytogenetic location: 17q23.1.
Variant type: single nucleotide variant.
Coding change: c.2605G>A on transcript NM_004859.4 (MANE Select); coding-DNA position 2605, G replaced by A.
Protein change: p.Gly869Ser; replaces glycine 869 with serine.
Molecular consequence: missense variant.
Genome position (GRCh38, 1-based): chr17:59,676,997, G>A. VCF-style: chr17-59676997-G-A. GRCh37 (hg19) VCF-style: chr17-57754358-G-A.
Other names: c.2617G>A, p.Gly873Ser (NM_001288653.2); short protein forms G869S, G873S.
Identifiers: ClinVar variation 4056822 (VCV004056822.1).